The following is an entry in ClinVar:

ClinVar aggregate classification (germline): Uncertain significance (1 of 4 stars; one submission).

Submission:

Labcorp Genetics (formerly Invitae), Labcorp
Classification: Uncertain significance. Last evaluated: 2022-11-08. Review status: criteria provided, single submitter. Criteria: Invitae Variant Classification Sherloc (09022015). Collection method: clinical testing. Allele origin: germline.
Comment: Advanced modeling of protein sequence and biophysical properties (such as structural, functional, and spatial information, amino acid conservation, physicochemical variation, residue mobility, and thermodynamic stability) performed at Invitae indicates that this missense variant is not expected to disrupt CACNA1D protein function. In summary, the available evidence is currently insufficient to determine the role of this variant in disease. Therefore, it has been classified as a Variant of Uncertain Significance. This variant has not been reported in the literature in individuals affected with CACNA1D-related conditions. This variant is not present in population databases (gnomAD no frequency). This sequence change replaces valine, which is neutral and non-polar, with alanine, which is neutral and non-polar, at codon 1273 of the CACNA1D protein (p.Val1273Ala).

NM_001128840.3(CACNA1D):c.3758T>C (p.Val1253Ala)

Gene: CACNA1D (calcium voltage-gated channel subunit alpha1 D; plus strand). Cytogenetic location: 3p21.1.
Variant type: single nucleotide variant.
Coding change: c.3758T>C on transcript NM_001128840.3 (MANE Select); coding-DNA position 3758, T replaced by C.
Protein change: p.Val1253Ala; replaces valine 1253 with alanine.
Molecular consequence: missense variant.
Genome position (GRCh38, 1-based): chr3:53,753,654, T>C. VCF-style: chr3-53753654-T-C. GRCh37 (hg19) VCF-style: chr3-53787681-T-C.
Other names: c.3818T>C, p.Val1273Ala (NM_000720.4); c.3758T>C, p.Val1253Ala (NM_001128839.3); short protein forms V1273A, V1253A.
Identifiers: ClinVar variation 2812788 (VCV002812788.3), dbSNP rs2474032408, ClinGen allele CA353251811.
Genomic context (GRCh38, chr3:53,753,654, plus strand): 5'-TCAATGATGCCATGGACATTCTGAACATGGTCTTCACCGGGGTGTTCACCGTCGAGATGG[T>C]TTTGAAAGTCATCGCATTTAAGCCTAAGGTGAGTTGCAGAACCCACTTTTCAAAGGTTGT-3'
Protein context (NP_001122312.1, residues 1243-1263): VFTGVFTVEM[Val1253Ala]LKVIAFKPKG